The following is an entry in ClinVar:

NM_001160372.4(TRAPPC9):c.3042G>T (p.Ala1014=)

Gene: TRAPPC9 (trafficking protein particle complex subunit 9; minus strand). Cytogenetic location: 8q24.3.
Variant type: single nucleotide variant.
Coding change: c.3042G>T on transcript NM_001160372.4 (MANE Select); coding-DNA position 3042, G replaced by T.
Protein change: p.Ala1014=; no amino-acid change (alanine 1014 retained).
Molecular consequence: synonymous variant. On other transcripts: non-coding transcript variant (1).
Genome position (GRCh38, 1-based): chr8:139,885,892, C>A on the plus strand (G>T on the coding strand, the complement: TRAPPC9 is on the minus strand). VCF-style: chr8-139885892-C-A. GRCh37 (hg19) VCF-style: chr8-140898136-C-A.
Other names: c.3015G>T, p.Ala1005= (NM_001321646.2); c.3063G>T, p.Ala1021= (NM_001374682.1); c.2931G>T, p.Ala977= (NM_001374683.1); c.2898G>T, p.Ala966= (NM_001374684.1); c.3042G>T, p.Ala1014= (NM_031466.8).
Identifiers: ClinVar variation 3721583 (VCV003721583.10).

ClinVar aggregate classification (germline): Likely benign. Review status: criteria provided, multiple submitters, no conflicts (2 of 4 stars). 2 submissions from 2 submitters: Likely benign (2). Last evaluated 2025-08-01.

gnomAD v4.1: 4 of 1,565,260 alleles (0.00026%); highest among the groups gnomAD compares: Non-Finnish European, 0.00035%; no homozygotes.

Submissions (2):

CeGaT Center for Human Genetics Tuebingen
Classification: Likely benign. Last evaluated: 2025-08-01. Review status: criteria provided, single submitter. Criteria: CeGaT Center For Human Genetics Tuebingen Variant Classification Criteria Version 2. Collection method: clinical testing. Allele origin: germline. Affected: yes. Observed: 1 variant allele.
Comment: TRAPPC9: BP4, BP7

Labcorp Genetics (formerly Invitae), Labcorp
Classification: Likely benign. Last evaluated: 2024-09-26. Review status: criteria provided, single submitter. Criteria: Invitae Variant Classification Sherloc (09022015). Collection method: clinical testing. Allele origin: germline.